The following is an entry in ClinVar:

ClinVar aggregate classification (germline): Pathogenic. Review status: criteria provided, multiple submitters, no conflicts (2 of 4 stars). 2 submissions from 2 submitters: Pathogenic (2). Last evaluated 2025-11-21.

Conditions:
Cardiovascular phenotype. Identifiers: MedGen CN230736.
Telangiectasia, hereditary hemorrhagic, type 2 (HHT2). Also called: ACVRL1-Related Hereditary Hemorrhagic Telangiectasia; Telangiectasia, hereditary hemorrhagic, type II. Identifiers: Orphanet 774, MedGen C1838163, MONDO:0010880, OMIM 600376. Disease mechanism: loss of function.

Submissions (2):

Labcorp Genetics (formerly Invitae), Labcorp
Classification: Pathogenic for Telangiectasia, hereditary hemorrhagic, type 2. Last evaluated: 2025-11-21. Review status: criteria provided, single submitter. Criteria: Invitae Variant Classification Sherloc (09022015). Collection method: clinical testing. Allele origin: germline.
Comment: This sequence change replaces tryptophan, which is neutral and slightly polar, with glycine, which is neutral and non-polar, at codon 399 of the ACVRL1 protein (p.Trp399Gly). This variant is not present in population databases (gnomAD no frequency). This missense change has been observed in individual(s) with clinical features of hereditary hemorrhagic telangiectasia (internal data). ClinVar contains an entry for this variant (Variation ID: 1391866). Invitae Evidence Modeling of protein sequence and biophysical properties (such as structural, functional, and spatial information, amino acid conservation, physicochemical variation, residue mobility, and thermodynamic stability) indicates that this missense variant is expected to disrupt ACVRL1 protein function with a positive predictive value of 95%. This variant disrupts the p.Trp399 amino acid residue in ACVRL1. Other variant(s) that disrupt this residue have been observed in individuals with ACVRL1-related conditions (PMID: 14684682, 23919827, 25318803), which suggests that this may be a clinically significant amino acid residue. For these reasons, this variant has been classified as Pathogenic.

Ambry Genetics
Classification: Pathogenic for Cardiovascular phenotype. Last evaluated: 2024-11-27. Review status: criteria provided, single submitter. Criteria: Ambry Variant Classification Scheme 2023. Collection method: clinical testing. Allele origin: germline.
Comment: The p.W399G pathogenic mutation (also known as c.1195T>G), located in coding exon 7 of the ACVRL1 gene, results from a T to G substitution at nucleotide position 1195. The tryptophan at codon 399 is replaced by glycine, an amino acid with highly dissimilar properties. This variant was reported in individual(s) with features consistent with hereditary hemorrhagic telangiectasia (HHT) (Ambry internal data). Other variants at the same codon, p.W399R (c.1195T>C) and p.W399S (c.1196G>C), have been identified in individuals with features consistent with HHT and ACVRL1-related pulmonary arterial hypertension (Chen YJ et al, Eur. J. Clin. Invest. 2013 Oct; 43(10):1016-24; Harrison RE et al, J. Med. Genet. 2003 Dec; 40(12):865-71; Ishiwata T et al, Intern. Med. 2014 ; 53(20):2359-63). This amino acid position is highly conserved in available vertebrate species. In addition, this alteration is predicted to be deleterious by in silico analysis. This variant is considered to be rare based on population cohorts in the Genome Aggregation Database (gnomAD). Based on the supporting evidence, this variant is interpreted as a disease-causing mutation.

Literature cited by the submitters: PubMed 14684682 (cited by Labcorp Genetics (formerly Invitae), Labcorp and Ambry Genetics); PubMed 23919827 (cited by Labcorp Genetics (formerly Invitae), Labcorp and Ambry Genetics); PubMed 25318803 (cited by Labcorp Genetics (formerly Invitae), Labcorp and Ambry Genetics).

NM_000020.3(ACVRL1):c.1195T>G (p.Trp399Gly)

Gene: ACVRL1 (activin A receptor like type 1; plus strand). Cytogenetic location: 12q13.13.
Variant type: single nucleotide variant.
Coding change: c.1195T>G on transcript NM_000020.3 (MANE Select); coding-DNA position 1195, T replaced by G.
Protein change: p.Trp399Gly; replaces tryptophan 399 with glycine.
Molecular consequence: missense variant.
Genome position (GRCh38, 1-based): chr12:51,916,182, T>G. VCF-style: chr12-51916182-T-G. GRCh37 (hg19) VCF-style: chr12-52309966-T-G.
Other names: c.1195T>G, p.Trp399Gly (NM_001077401.2); short protein forms W399G.
Identifiers: ClinVar variation 1391866 (VCV001391866.11), dbSNP rs1085307418, ClinGen allele CA384902880.